The following is an entry in ClinVar:

ClinVar aggregate classification (germline): Uncertain significance. Review status: criteria provided, multiple submitters, no conflicts (2 of 4 stars). 2 submissions from 2 submitters: Uncertain significance (2). Last evaluated 2024-05-04.

Conditions:
Fanconi anemia complementation group P. Also called: SLX4-Related Fanconi Anemia. Identifiers: Orphanet 84, MedGen C3469542, MONDO:0013499, OMIM 613951.
Fanconi anemia (FA). Also called: Fanconi's anemia. Identifiers: Orphanet 84, MedGen C0015625, MeSH D005199, MONDO:0019391.

Submissions (2):

Fulgent Genetics
Classification: Uncertain significance for Fanconi anemia complementation group P. Last evaluated: 2024-05-04. Review status: criteria provided, single submitter. Criteria: ACMG Guidelines, 2015. Collection method: clinical testing. Allele origin: germline.

Labcorp Genetics (formerly Invitae), Labcorp
Classification: Uncertain significance for Fanconi anemia. Last evaluated: 2021-03-10. Review status: criteria provided, single submitter. Criteria: Invitae Variant Classification Sherloc (09022015). Collection method: clinical testing. Allele origin: germline.
Comment: In summary, the available evidence is currently insufficient to determine the role of this variant in disease. Therefore, it has been classified as a Variant of Uncertain Significance. Experimental studies and prediction algorithms are not available or were not evaluated, and the functional significance of this variant is currently unknown. This variant has not been reported in the literature in individuals with SLX4-related conditions. This variant is not present in population databases (ExAC no frequency). This variant, c.363_365del, results in the deletion of 1 amino acid(s) of the SLX4 protein (p.Lys122del), but otherwise preserves the integrity of the reading frame.

NM_032444.4(SLX4):c.363_365del (p.Lys122del)

Gene: SLX4 (SLX4 structure-specific endonuclease subunit; minus strand). Cytogenetic location: 16p13.3.
Variant type: Deletion.
Coding change: c.363_365del on transcript NM_032444.4 (MANE Select); coding-DNA positions 363 to 365, 3 bases deleted (AAA; older notation c.363_365delAAA).
Protein change: p.Lys122del; deletes lysine 122.
Molecular consequence: inframe deletion.
Genome position (GRCh38, 1-based): chr16:3,608,600-3,608,602, TTT deleted on the plus strand (AAA on the coding strand, the reverse complement: SLX4 is on the minus strand); deleting any 3 consecutive bases within chr16:3,608,600-3,608,604 gives the same sequence; the c. name uses the placement nearest the transcript's 3' end. VCF-style (leftmost placement, unchanged base first): chr16-3608599-CTTT-C. GRCh37 (hg19) VCF-style: chr16-3658600-CTTT-C.
Other names: short protein forms K122del.
Identifiers: ClinVar variation 1515694 (VCV001515694.9), dbSNP rs2151139354, ClinGen allele CA2573152044.